The following is an entry in ClinVar:

NM_000051.4(ATM):c.3111del (p.Ser1037_Val1038insTer)

Gene: ATM (ATM serine/threonine kinase; plus strand). Cytogenetic location: 11q22.3.
Variant type: Deletion.
Coding change: c.3111del on transcript NM_000051.4 (MANE Select); coding-DNA position 3111, one base deleted (T; older notation c.3111delT).
Protein change: p.Ser1037_Val1038insTer.
Molecular consequence: frameshift variant.
Genome position (GRCh38, 1-based): chr11:108,272,565, T deleted. VCF-style (leftmost placement, unchanged base first): chr11-108272564-CT-C. GRCh37 (hg19) VCF-style: chr11-108143291-CT-C.
Other names: c.3111del, p.Ser1037_Val1038insTer (NM_001351834.2).
Identifiers: ClinVar variation 3326322 (VCV003326322.1).

ClinVar aggregate classification (germline): Pathogenic (1 of 4 stars; one submission).

Conditions:
Hereditary cancer-predisposing syndrome. Also called: Neoplastic Syndromes, Hereditary; Tumor predisposition; Hereditary neoplastic syndrome; Hereditary Cancer Syndrome. Identifiers: Orphanet 140162, MedGen C0027672, MeSH D009386, MONDO:0015356.

Submission:

Ambry Genetics
Classification: Pathogenic for Hereditary cancer-predisposing syndrome. Last evaluated: 2024-06-04. Review status: criteria provided, single submitter. Criteria: Ambry Variant Classification Scheme 2023. Collection method: clinical testing. Allele origin: germline.
Comment: The c.3111delT pathogenic mutation, located in coding exon 20 of the ATM gene, results from a deletion of one nucleotide at nucleotide position 3111, causing a translational frameshift with a predicted alternate stop codon (p.V1038*). This variant has been identified in the homozygous state and/or in conjunction with other ATM variant(s) in individual(s) who met clinical criteria for ataxia telangiectasia; in at least one instance, the variants were identified in trans (Cavalieri S et al. Hum Mutat, 2006 Oct;27:1061). This variant is considered to be rare based on population cohorts in the Genome Aggregation Database (gnomAD). In addition to the clinical data presented in the literature, this alteration is expected to result in loss of function by premature protein truncation or nonsense-mediated mRNA decay. As such, this alteration is interpreted as a disease-causing mutation.

Literature cited by the submitters: PubMed 16941484.